The following is an entry in ClinVar:

NM_015346.4(ZFYVE26):c.3851T>C (p.Leu1284Ser)

Gene: ZFYVE26 (zinc finger FYVE-type containing 26; minus strand). Cytogenetic location: 14q24.1.
Variant type: single nucleotide variant.
Coding change: c.3851T>C on transcript NM_015346.4 (MANE Select); coding-DNA position 3851, T replaced by C.
Protein change: p.Leu1284Ser; replaces leucine 1284 with serine.
Molecular consequence: missense variant.
Genome position (GRCh38, 1-based): chr14:67,783,301, A>G on the plus strand (T>C on the coding strand, the complement: ZFYVE26 is on the minus strand). VCF-style: chr14-67783301-A-G. GRCh37 (hg19) VCF-style: chr14-68250018-A-G.
Other names: short protein forms L1284S.
Identifiers: ClinVar variation 1005633 (VCV001005633.6), dbSNP rs1458593767, ClinGen allele CA390171353.

ClinVar aggregate classification (germline): Uncertain significance (1 of 4 stars; one submission).

Conditions:
Spastic paraplegia. Identifiers: MedGen C0037772, HP:0001258.

Allele frequency attached by ClinVar (database versions not stated): gnomAD exomes below 0.00001 and 0.00001; TOPMed 0.00004; gnomAD 0.00006.
gnomAD v4.1: 15 of 1,613,004 alleles (0.00093%); highest among the groups gnomAD compares: African/African-American, 0.02%; no homozygotes.

Submission:

Labcorp Genetics (formerly Invitae), Labcorp
Classification: Uncertain significance for Spastic paraplegia. Last evaluated: 2021-08-27. Review status: criteria provided, single submitter. Criteria: Invitae Variant Classification Sherloc (09022015). Collection method: clinical testing. Allele origin: germline.
Comment: This sequence change replaces leucine with serine at codon 1284 of the ZFYVE26 protein (p.Leu1284Ser). The leucine residue is moderately conserved and there is a large physicochemical difference between leucine and serine. This variant is not present in population databases (ExAC no frequency). This variant has not been reported in the literature in individuals affected with ZFYVE26-related conditions. Algorithms developed to predict the effect of missense changes on protein structure and function output the following: SIFT: "Tolerated"; PolyPhen-2: "Benign"; Align-GVGD: "Class C0". The serine amino acid residue is found in multiple mammalian species, which suggests that this missense change does not adversely affect protein function. In summary, the available evidence is currently insufficient to determine the role of this variant in disease. Therefore, it has been classified as a Variant of Uncertain Significance.